The following is an entry in ClinVar:

ClinVar aggregate classification (germline): Uncertain significance (0 of 4 stars; one submission).

Conditions:
PLXNA1-related disorder. Also called: PLXNA1-related condition.

gnomAD v4.1: 12 of 1,604,972 alleles (0.00075%); highest among the groups gnomAD compares: Non-Finnish European, 0.00093%; no homozygotes.

Submission:

PreventionGenetics, part of Exact Sciences
Classification: Uncertain significance for PLXNA1-related condition. Last evaluated: 2024-04-09. Review status: no assertion criteria provided. Collection method: clinical testing. Allele origin: germline.
Comment: The PLXNA1 c.2626A>G variant is predicted to result in the amino acid substitution p.Arg876Gly. To our knowledge, this variant has not been reported in the literature. This variant is reported in 0.0036% of alleles in individuals of European (Non-Finnish) descent in gnomAD. At this time, the clinical significance of this variant is uncertain due to the absence of conclusive functional and genetic evidence.

NM_032242.4(PLXNA1):c.2626A>G (p.Arg876Gly)

Gene: PLXNA1 (plexin A1; plus strand). Cytogenetic location: 3q21.3.
Variant type: single nucleotide variant.
Coding change: c.2626A>G on transcript NM_032242.4 (MANE Select); coding-DNA position 2626, A replaced by G.
Protein change: p.Arg876Gly; replaces arginine 876 with glycine.
Molecular consequence: missense variant.
Genome position (GRCh38, 1-based): chr3:127,014,499, A>G. VCF-style: chr3-127014499-A-G. GRCh37 (hg19) VCF-style: chr3-126733342-A-G.
Other names: short protein forms R876G.
Identifiers: ClinVar variation 3352030 (VCV003352030.1).